The following is an entry in ClinVar:

ClinVar aggregate classification (germline): Uncertain significance (1 of 4 stars; one submission).

Allele frequency attached by ClinVar (database versions not stated): ExAC 0.00001; gnomAD 0.00001; gnomAD exomes 0.00001; TOPMed 0.00001.
gnomAD v4.1: 7 of 1,614,072 alleles (0.00043%); highest among the groups gnomAD compares: Non-Finnish European, 0.00059%; no homozygotes.

Submission:

Labcorp Genetics (formerly Invitae), Labcorp
Classification: Uncertain significance. Last evaluated: 2023-08-19. Review status: criteria provided, single submitter. Criteria: Invitae Variant Classification Sherloc (09022015). Collection method: clinical testing. Allele origin: germline.
Comment: In summary, the available evidence is currently insufficient to determine the role of this variant in disease. Therefore, it has been classified as a Variant of Uncertain Significance. An algorithm developed to predict the effect of missense changes on protein structure and function (PolyPhen-2) suggests that this variant is likely to be tolerated. This variant has not been reported in the literature in individuals affected with PPM1D-related conditions. This variant is not present in population databases (gnomAD no frequency). This sequence change replaces asparagine, which is neutral and polar, with aspartic acid, which is acidic and polar, at codon 491 of the PPM1D protein (p.Asn491Asp).

NM_003620.4(PPM1D):c.1471A>G (p.Asn491Asp)

Gene: PPM1D (protein phosphatase, Mg2+/Mn2+ dependent 1D; plus strand). Cytogenetic location: 17q23.2.
Variant type: single nucleotide variant.
Coding change: c.1471A>G on transcript NM_003620.4 (MANE Select); coding-DNA position 1471, A replaced by G.
Protein change: p.Asn491Asp; replaces asparagine 491 with aspartic acid.
Molecular consequence: missense variant.
Genome position (GRCh38, 1-based): chr17:60,663,205, A>G. VCF-style: chr17-60663205-A-G. GRCh37 (hg19) VCF-style: chr17-58740566-A-G.
Other names: short protein forms N491D.
Identifiers: ClinVar variation 2900463 (VCV002900463.3), dbSNP rs764019284, ClinGen allele CA8687802.